The following is an entry in ClinVar:

ClinVar aggregate classification (germline): Uncertain significance (1 of 4 stars; one submission).

Conditions:
Perlman syndrome (PRLMNS). Identifiers: Orphanet 2849, MedGen C0796113, MONDO:0009965, OMIM 267000.

Submission:

Labcorp Genetics (formerly Invitae), Labcorp
Classification: Uncertain significance for Perlman syndrome. Last evaluated: 2019-03-09. Review status: criteria provided, single submitter. Criteria: Invitae Variant Classification Sherloc (09022015). Collection method: clinical testing. Allele origin: germline.
Comment: Algorithms developed to predict the effect of missense changes on protein structure and function (SIFT, PolyPhen-2, Align-GVGD) all suggest that this variant is likely to be tolerated, but these predictions have not been confirmed by published functional studies. This sequence change replaces isoleucine with threonine at codon 181 of the DIS3L2 protein (p.Ile181Thr). The isoleucine residue is weakly conserved and there is a moderate physicochemical difference between isoleucine and threonine. This variant is not present in population databases (ExAC no frequency) and has not been reported in the literature in individuals with a DIS3L2-related disease. In summary, this variant is a novel missense change that is not predicted to affect protein function. There is no indication that it causes disease, but the available evidence is currently insufficient to prove that conclusively. Therefore, it has been classified as a Variant of Uncertain Significance.

NM_152383.5(DIS3L2):c.542T>C (p.Ile181Thr)

Gene: DIS3L2 (DIS3 like 3'-5' exoribonuclease 2; plus strand). Cytogenetic location: 2q37.1.
Variant type: single nucleotide variant.
Coding change: c.542T>C on transcript NM_152383.5 (MANE Select); coding-DNA position 542, T replaced by C.
Protein change: p.Ile181Thr; replaces isoleucine 181 with threonine.
Molecular consequence: missense variant. On other transcripts: non-coding transcript variant (2).
Genome position (GRCh38, 1-based): chr2:232,087,662, T>C. VCF-style: chr2-232087662-T-C. GRCh37 (hg19) VCF-style: chr2-232952372-T-C.
Other names: c.542T>C, p.Ile181Thr (NM_001257281.2, NM_001257282.2); short protein forms I181T.
Identifiers: ClinVar variation 410734 (VCV000410734.10), dbSNP rs1060503029, ClinGen allele CA16610681.
Genomic context (GRCh38, chr2:232,087,662, plus strand): 5'-GTCCTGATGTCATTGTAGAGGCTCAGTTTGATGGCAGCGACTCAGAAGATGGACATGGCA[T>C]CACACAAAATGTGCTGGTTGATGGTGTTAAGAAACTCTCAGTTTGTGTTTCTGAGAAAGG-3'
Protein context (NP_689596.4, residues 171-191): DGSDSEDGHG[Ile181Thr]TQNVLVDGVK